The following is an entry in ClinVar:

ClinVar aggregate classification (germline): Uncertain significance (1 of 4 stars; one submission).

Conditions:
Cataract 23 (CTRCT23). Also called: Cataract 23, multiple types; CATARACT 23, LAMELLAR. Identifiers: Orphanet 91492, MedGen C3808012, MONDO:0012489, OMIM 610425.

gnomAD v4.1: 18 of 1,613,972 alleles (0.0011%); highest among the groups gnomAD compares: Admixed American, 0.027%; no homozygotes.

Submission:

Labcorp Genetics (formerly Invitae), Labcorp
Classification: Uncertain significance for Cataract 23. Last evaluated: 2024-11-06. Review status: criteria provided, single submitter. Criteria: Invitae Variant Classification Sherloc (09022015). Collection method: clinical testing. Allele origin: germline.
Comment: This sequence change replaces glutamic acid, which is acidic and polar, with aspartic acid, which is acidic and polar, at codon 73 of the CRYBA4 protein (p.Glu73Asp). This variant is present in population databases (rs746527018, gnomAD 0.04%), and has an allele count higher than expected for a pathogenic variant. This variant has not been reported in the literature in individuals affected with CRYBA4-related conditions. An algorithm developed to predict the effect of missense changes on protein structure and function outputs the following: PolyPhen-2: "Benign". The aspartic acid amino acid residue is found in multiple mammalian species, which suggests that this missense change does not adversely affect protein function. In summary, the available evidence is currently insufficient to determine the role of this variant in disease. Therefore, it has been classified as a Variant of Uncertain Significance.

NM_001886.3(CRYBA4):c.219A>C (p.Glu73Asp)

Gene: CRYBA4 (crystallin beta A4; plus strand). Cytogenetic location: 22q12.1.
Variant type: single nucleotide variant.
Coding change: c.219A>C on transcript NM_001886.3 (MANE Select); coding-DNA position 219, A replaced by C.
Protein change: p.Glu73Asp; replaces glutamic acid 73 with aspartic acid.
Molecular consequence: missense variant.
Genome position (GRCh38, 1-based): chr22:26,625,541, A>C. VCF-style: chr22-26625541-A-C. GRCh37 (hg19) VCF-style: chr22-27021505-A-C.
Other names: short protein forms E73D.
Identifiers: ClinVar variation 3715282 (VCV003715282.2).